The following is an entry in ClinVar:

NM_000744.7(CHRNA4):c.1183A>G (p.Thr395Ala)

Gene: CHRNA4 (cholinergic receptor nicotinic alpha 4 subunit; minus strand). Cytogenetic location: 20q13.33.
Variant type: single nucleotide variant.
Coding change: c.1183A>G on transcript NM_000744.7 (MANE Select); coding-DNA position 1183, A replaced by G.
Protein change: p.Thr395Ala; replaces threonine 395 with alanine.
Molecular consequence: missense variant. On other transcripts: non-coding transcript variant (1).
Genome position (GRCh38, 1-based): chr20:63,350,228, T>C on the plus strand (A>G on the coding strand, the complement: CHRNA4 is on the minus strand). VCF-style: chr20-63350228-T-C. GRCh37 (hg19) VCF-style: chr20-61981580-T-C.
Other names: c.655A>G, p.Thr219Ala (NM_001256573.2); short protein forms T219A, T395A.
Identifiers: ClinVar variation 836774 (VCV000836774.9), dbSNP rs2068567925, ClinGen allele CA409634166.

ClinVar aggregate classification (germline): Uncertain significance (1 of 4 stars; one submission).

Conditions:
Familial sleep-related hypermotor epilepsy. Also called: Autosomal Dominant Sleep-Related Hypermotor (Hyperkinetic) Epilepsy. Identifiers: Orphanet 98784, MedGen C3696898, MONDO:0000030.

Submission:

Labcorp Genetics (formerly Invitae), Labcorp
Classification: Uncertain significance. Last evaluated: 2024-04-08. Review status: criteria provided, single submitter. Criteria: Invitae Variant Classification Sherloc (09022015). Collection method: clinical testing. Allele origin: germline.
Comment: This sequence change replaces threonine, which is neutral and polar, with alanine, which is neutral and non-polar, at codon 395 of the CHRNA4 protein (p.Thr395Ala). This variant is not present in population databases (gnomAD no frequency). This missense change has been observed in individual(s) with clinical features of CHRNA4-related condtions (Invitae). ClinVar contains an entry for this variant (Variation ID: 836774). Advanced modeling of protein sequence and biophysical properties (such as structural, functional, and spatial information, amino acid conservation, physicochemical variation, residue mobility, and thermodynamic stability) performed at Invitae indicates that this missense variant is not expected to disrupt CHRNA4 protein function with a negative predictive value of 80%. In summary, the available evidence is currently insufficient to determine the role of this variant in disease. Therefore, it has been classified as a Variant of Uncertain Significance.